The following is an entry in ClinVar:

ClinVar aggregate classification (germline): Uncertain significance (1 of 4 stars; one submission).

Conditions:
Chuvash polycythemia. Also called: POLYCYTHEMIA, VHL-DEPENDENT. Identifiers: Orphanet 238557, MedGen C1837915, MONDO:0009892, OMIM 263400.
Von Hippel-Lindau syndrome (VHLS). Also called: von Hippel–Lindau syndrome; VHL syndrome; Von Hippel-Lindau. Identifiers: Orphanet 892, MedGen C0019562, MONDO:0008667, OMIM 193300. Disease mechanism: loss of function.

Submission:

Labcorp Genetics (formerly Invitae), Labcorp
Classification: Uncertain significance for Von Hippel-Lindau syndrome; Chuvash polycythemia. Last evaluated: 2023-02-23. Review status: criteria provided, single submitter. Criteria: Invitae Variant Classification Sherloc (09022015). Collection method: clinical testing. Allele origin: germline.
Comment: This variant has not been reported in the literature in individuals affected with VHL-related conditions. This variant is not present in population databases (gnomAD no frequency). This sequence change replaces tyrosine, which is neutral and polar, with cysteine, which is neutral and slightly polar, at codon 23 of the VHL protein (p.Tyr23Cys). Advanced modeling of protein sequence and biophysical properties (such as structural, functional, and spatial information, amino acid conservation, physicochemical variation, residue mobility, and thermodynamic stability) performed at Invitae indicates that this missense variant is not expected to disrupt VHL protein function. In summary, the available evidence is currently insufficient to determine the role of this variant in disease. Therefore, it has been classified as a Variant of Uncertain Significance.

NM_000551.4(VHL):c.68A>G (p.Tyr23Cys)

Gene: VHL (von Hippel-Lindau tumor suppressor; plus strand). Cytogenetic location: 3p25.3.
Variant type: single nucleotide variant.
Coding change: c.68A>G on transcript NM_000551.4 (MANE Select); coding-DNA position 68, A replaced by G.
Protein change: p.Tyr23Cys; replaces tyrosine 23 with cysteine.
Molecular consequence: missense variant. On other transcripts: non-coding transcript variant (1).
Genome position (GRCh38, 1-based): chr3:10,141,915, A>G. VCF-style: chr3-10141915-A-G. GRCh37 (hg19) VCF-style: chr3-10183599-A-G.
Other names: c.68A>G, p.Tyr23Cys (NM_001354723.2, NM_198156.3); short protein forms Y23C.
Identifiers: ClinVar variation 2944647 (VCV002944647.3), dbSNP rs2125124577, ClinGen allele CA351747392.